The following is an entry in ClinVar:

ClinVar aggregate classification (germline): Uncertain significance. Review status: criteria provided, multiple submitters, no conflicts (2 of 4 stars). 3 submissions from 3 submitters: Uncertain significance (3). Last evaluated 2024-02-06.

Conditions:
Megaloblastic anemia, thiamine-responsive, with diabetes mellitus and sensorineural deafness (TRMA). Also called: Thiamine-Responsive Megaloblastic Anemia Syndrome; THIAMINE METABOLISM DYSFUNCTION SYNDROME 1 (MEGALOBLASTIC ANEMIA, DIABETES MELLITUS, AND DEAFNESS TYPE); ROGERS SYNDROME; THIAMINE-RESPONSIVE ANEMIA SYNDROME; THIAMINE-RESPONSIVE MYELODYSPLASIA. Identifiers: Orphanet 49827, MedGen C0342287, MONDO:0009575, OMIM 249270.

Allele frequency attached by ClinVar (database versions not stated): gnomAD exomes 0.00002 and 0.00012; TOPMed 0.00002; ExAC 0.00003; gnomAD 0.00003 and 0.00006; 1000 Genomes Project 30x 0.00016; 1000 Genomes Project 0.00020.
gnomAD v4.1: 184 of 1,613,742 alleles (0.011%); highest among the groups gnomAD compares: East Asian, 0.41%; no homozygotes.

Submissions (3):

Fulgent Genetics
Classification: Uncertain significance for Megaloblastic anemia, thiamine-responsive, with diabetes mellitus and sensorineural deafness. Last evaluated: 2024-02-06. Review status: criteria provided, single submitter. Criteria: ACMG Guidelines, 2015. Collection method: clinical testing. Allele origin: germline.

Labcorp Genetics (formerly Invitae), Labcorp
Classification: Uncertain significance. Last evaluated: 2022-07-06. Review status: criteria provided, single submitter. Criteria: Invitae Variant Classification Sherloc (09022015). Collection method: clinical testing. Allele origin: germline.
Comment: This sequence change replaces proline, which is neutral and non-polar, with serine, which is neutral and polar, at codon 265 of the SLC19A2 protein (p.Pro265Ser). This variant is present in population databases (rs17847481, gnomAD 0.03%). This variant has not been reported in the literature in individuals affected with SLC19A2-related conditions. ClinVar contains an entry for this variant (Variation ID: 876016). Advanced modeling of protein sequence and biophysical properties (such as structural, functional, and spatial information, amino acid conservation, physicochemical variation, residue mobility, and thermodynamic stability) performed at Invitae indicates that this missense variant is not expected to disrupt SLC19A2 protein function. In summary, the available evidence is currently insufficient to determine the role of this variant in disease. Therefore, it has been classified as a Variant of Uncertain Significance.

Illumina Laboratory Services, Illumina
Classification: Uncertain significance for Megaloblastic anemia, thiamine-responsive, with diabetes mellitus and sensorineural deafness. Last evaluated: 2018-01-13. Review status: criteria provided, single submitter. Criteria: ICSL Variant Classification Criteria 13 December 2019. Collection method: clinical testing. Allele origin: germline.

NM_006996.3(SLC19A2):c.793C>T (p.Pro265Ser)

Gene: SLC19A2 (solute carrier family 19 member 2; minus strand). Cytogenetic location: 1q24.2.
Variant type: single nucleotide variant.
Coding change: c.793C>T on transcript NM_006996.3 (MANE Select); coding-DNA position 793, C replaced by T.
Protein change: p.Pro265Ser; replaces proline 265 with serine.
Molecular consequence: missense variant. On other transcripts: intron variant (1).
Genome position (GRCh38, 1-based): chr1:169,477,169, G>A on the plus strand (C>T on the coding strand, the complement: SLC19A2 is on the minus strand). VCF-style: chr1-169477169-G-A. GRCh37 (hg19) VCF-style: chr1-169446407-G-A.
Other names: c.205-6983C>T (NM_001319667.1); short protein forms P265S.
Identifiers: ClinVar variation 876016 (VCV000876016.6), dbSNP rs17847481, ClinGen allele CA1233009.